The following is an entry in ClinVar:

NM_004055.5(CAPN5):c.686G>C (p.Ser229Thr)

Gene: CAPN5 (calpain 5; plus strand). Cytogenetic location: 11q13.5.
Variant type: single nucleotide variant.
Coding change: c.686G>C on transcript NM_004055.5 (MANE Select); coding-DNA position 686, G replaced by C.
Protein change: p.Ser229Thr; replaces serine 229 with threonine.
Molecular consequence: missense variant.
Genome position (GRCh38, 1-based): chr11:77,114,421, G>C. VCF-style: chr11-77114421-G-C. GRCh37 (hg19) VCF-style: chr11-76825467-G-C.
Other names: c.806G>C, p.Ser269Thr (NM_001425321.1); c.686G>C, p.Ser229Thr (NM_001425322.1); c.554G>C, p.Ser185Thr (NM_001425323.1); short protein forms S185T, S229T, S269T.
Identifiers: ClinVar variation 2811303 (VCV002811303.3), dbSNP rs1422867861, ClinGen allele CA381938466.

ClinVar aggregate classification (germline): Uncertain significance (1 of 4 stars; one submission).

gnomAD v4.1: 3 of 1,614,174 alleles (0.00019%); highest among the groups gnomAD compares: African/African-American, 0.0013%; no homozygotes.

Submission:

Labcorp Genetics (formerly Invitae), Labcorp
Classification: Uncertain significance. Last evaluated: 2023-03-03. Review status: criteria provided, single submitter. Criteria: Invitae Variant Classification Sherloc (09022015). Collection method: clinical testing. Allele origin: germline.
Comment: This sequence change replaces serine, which is neutral and polar, with threonine, which is neutral and polar, at codon 229 of the CAPN5 protein (p.Ser229Thr). This variant is not present in population databases (gnomAD no frequency). This variant has not been reported in the literature in individuals affected with CAPN5-related conditions. Advanced modeling of protein sequence and biophysical properties (such as structural, functional, and spatial information, amino acid conservation, physicochemical variation, residue mobility, and thermodynamic stability) performed at Invitae indicates that this missense variant is not expected to disrupt CAPN5 protein function. In summary, the available evidence is currently insufficient to determine the role of this variant in disease. Therefore, it has been classified as a Variant of Uncertain Significance.